The following is an entry in ClinVar:

ClinVar aggregate classification (germline): Uncertain significance. Review status: criteria provided, multiple submitters, no conflicts (2 of 4 stars). 2 submissions from 2 submitters: Uncertain significance (2). Last evaluated 2024-11-04.

Conditions:
Cystic fibrosis (CF). Also called: MUCOVISCIDOSIS. Identifiers: Orphanet 586, MedGen C0010674, MONDO:0009061, OMIM 219700. Disease mechanism: loss of function.

Allele frequency attached by ClinVar (database versions not stated): TOPMed below 0.00001.

Submissions (2):

Blueprint Genetics
Classification: Uncertain significance. Last evaluated: 2024-11-04. Review status: criteria provided, single submitter. Criteria: ACMG Guidelines, 2015. Collection method: clinical testing. Allele origin: germline.

Ambry Genetics
Classification: Uncertain significance for Cystic fibrosis. Last evaluated: 2023-08-26. Review status: criteria provided, single submitter. Criteria: Ambry Variant Classification Scheme 2023. Collection method: clinical testing. Allele origin: germline.
Comment: The p.F316S variant (also known as c.947T>C), located in coding exon 8 of the CFTR gene, results from a T to C substitution at nucleotide position 947. The phenylalanine at codon 316 is replaced by serine, an amino acid with highly dissimilar properties. This amino acid position is conserved. In addition, this alteration is predicted to be deleterious by in silico analysis. Since supporting evidence is limited at this time, the clinical significance of this alteration remains unclear.

NM_000492.4(CFTR):c.947T>C (p.Phe316Ser)

Gene: CFTR (CF transmembrane conductance regulator; plus strand). Cytogenetic location: 7q31.2.
Variant type: single nucleotide variant.
Coding change: c.947T>C on transcript NM_000492.4 (MANE Select); coding-DNA position 947, T replaced by C.
Protein change: p.Phe316Ser; replaces phenylalanine 316 with serine.
Molecular consequence: missense variant.
Genome position (GRCh38, 1-based): chr7:117,540,177, T>C. VCF-style: chr7-117540177-T-C. GRCh37 (hg19) VCF-style: chr7-117180231-T-C.
Other names: short protein forms F316S.
Identifiers: ClinVar variation 2587615 (VCV002587615.3), dbSNP rs779201407, ClinGen allele CA164953556.